The following is an entry in ClinVar:

ClinVar aggregate classification (germline): Likely pathogenic (1 of 4 stars; one submission).

Conditions:
Neurodevelopmental disorder with seizures, spasticity, and complete or partial agenesis of the corpus callosum (NEDSSCC). Identifiers: MedGen C5830296, MONDO:0859516, OMIM 620250.

Submission:

Kasturba Medical College, Manipal, Kasturba Medical College, Manipal, Manipal Academy of Higher Education, Manipal, India
Classification: Likely pathogenic for Neurodevelopmental disorder with seizures, spasticity, and complete or partial agenesis of the corpus callosum. Review status: criteria provided, single submitter. Criteria: ACMG Guidelines, 2015. Collection method: research. Allele origin: biparental. Inheritance: Autosomal recessive inheritance. Affected: yes. Observed: 1 homozygote.

NM_001388303.1(HECTD4):c.3989del (p.Val1330fs)

Gene: HECTD4 (HECT domain E3 ubiquitin protein ligase 4; minus strand). Cytogenetic location: 12q24.13.
Variant type: Deletion.
Coding change: c.3989del on transcript NM_001388303.1 (MANE Select); coding-DNA position 3989, one base deleted (T; older notation c.3989delT).
Protein change: p.Val1330fs; shifts the reading frame from valine 1330.
Molecular consequence: frameshift variant.
Genome position (GRCh38, 1-based): chr12:112,248,474, A deleted on the plus strand (T on the coding strand, the reverse complement: HECTD4 is on the minus strand). VCF-style (leftmost placement, unchanged base first): chr12-112248473-TA-T. GRCh37 (hg19) VCF-style: chr12-112686277-TA-T.
Other names: c.4019del, p.Val1340fs (NM_001109662.4); short protein forms V1330fs, V1340fs.
Identifiers: ClinVar variation 3602605 (VCV003602605.1).